The following is an entry in ClinVar:

ClinVar aggregate classification (germline): Uncertain significance (1 of 4 stars; one submission).

Conditions:
Proteinuria, chronic benign. Identifiers: MedGen C5394384, MONDO:0030042, OMIM 618884.

Allele frequency attached by ClinVar (database versions not stated): gnomAD 0.00001.
gnomAD v4.1: 2 of 1,609,320 alleles (0.00012%); highest among the groups gnomAD compares: African/African-American, 0.0027%; no homozygotes.

Submission:

Clinical Genomics Laboratory, Washington University in St. Louis
Classification: Uncertain significance for Proteinuria, chronic benign. Last evaluated: 2024-01-25. Review status: criteria provided, single submitter. Criteria: ACMG Guidelines, 2015. Collection method: clinical testing. Allele origin: germline.
Comment: The CUBN c.1231-5C>G variant, to our knowledge, has not been reported in the medical literature. Computational predictors indicate that this variant would alter splicing, evidence that correlates to an impact of this variant on CUBN function. This variant is only observed on 2/1,609,320 alleles in the general population (gnomAD v4.0.0), indicating it is not a common variant. Due to limited information, and based on ACMG/AMP guidelines for variant interpretation (Richards S et al., PMID: 25741868), the clinical significance of the CUBN c.1231-5C>G variant is uncertain at this time.

NM_001081.4(CUBN):c.1231-5C>G

Genes: CUBN (cubilin; minus strand), LOC129390143 (MPRA-validated peak884 silencer; plus strand). Cytogenetic location: 10p13.
Variant type: single nucleotide variant.
Coding change: c.1231-5C>G on transcript NM_001081.4 (MANE Select); 5 bases into the intron before coding-DNA position 1231, C replaced by G.
Molecular consequence: intron variant.
Genome position (GRCh38, 1-based): chr10:17,104,610, G>C on the plus strand (C>G on the coding strand, the complement: CUBN is on the minus strand). VCF-style: chr10-17104610-G-C. GRCh37 (hg19) VCF-style: chr10-17146609-G-C.
Identifiers: ClinVar variation 3237407 (VCV003237407.1), dbSNP rs961557864.
Genomic context (GRCh38, chr10:17,104,610, plus strand): 5'-CAGTTGACACCTGTCCAACCTGAGTCACACTTACAAAAATAACCAGAGACAGTGTCCTAA[G>C]GGGAAAAAAAACACATAATACCATAAAACAAATGGATAGACACTAAACTTTAATCAACCC-3'